The following is an entry in ClinVar:

NM_001365536.1(SCN9A):c.2818G>C (p.Gly940Arg)

Genes: SCN1A-AS1 (SCN1A and SCN9A antisense RNA 1; plus strand), SCN9A (sodium voltage-gated channel alpha subunit 9; minus strand). Cytogenetic location: 2q24.3.
Variant type: single nucleotide variant.
Coding change: c.2818G>C on transcript NM_001365536.1 (MANE Select); coding-DNA position 2818, G replaced by C.
Protein change: p.Gly940Arg; replaces glycine 940 with arginine.
Molecular consequence: missense variant.
Genome position (GRCh38, 1-based): chr2:166,277,039, C>G on the plus strand (G>C on the coding strand, the complement: SCN9A is on the minus strand). VCF-style: chr2-166277039-C-G. GRCh37 (hg19) VCF-style: chr2-167133549-C-G.
Other names: c.2785G>C, p.Gly929Arg (NM_002977.4); short protein forms G929R, G940R.
Identifiers: ClinVar variation 2922931 (VCV002922931.3), dbSNP rs1697266182, ClinGen allele CA349077176.

ClinVar aggregate classification (germline): Uncertain significance (1 of 4 stars; one submission).

Conditions:
Generalized epilepsy with febrile seizures plus, type 7 (GEFSP7). Also called: GEFS+, TYPE 7. Identifiers: Orphanet 36387, MedGen C2751778, MONDO:0013470, OMIM 613863.
Neuropathy, hereditary sensory and autonomic, type 2A (HSAN2A). Also called: ACROOSTEOLYSIS, GIACCAI TYPE; ACROOSTEOLYSIS, NEUROGENIC; HSAN IIA; WNK1-Related HSAN2 (HSAN2A); MORVAN DISEASE; NEUROPATHY, CONGENITAL SENSORY. Identifiers: Orphanet 970, MedGen C2752089, MONDO:0024309, OMIM 201300.

Submission:

Labcorp Genetics (formerly Invitae), Labcorp
Classification: Uncertain significance for Neuropathy, hereditary sensory and autonomic, type 2A; Generalized epilepsy with febrile seizures plus, type 7. Last evaluated: 2023-11-10. Review status: criteria provided, single submitter. Criteria: Invitae Variant Classification Sherloc (09022015). Collection method: clinical testing. Allele origin: germline.
Comment: This sequence change replaces glycine, which is neutral and non-polar, with arginine, which is basic and polar, at codon 929 of the SCN9A protein (p.Gly929Arg). This variant is not present in population databases (gnomAD no frequency). This variant has not been reported in the literature in individuals affected with SCN9A-related conditions. Advanced modeling of protein sequence and biophysical properties (such as structural, functional, and spatial information, amino acid conservation, physicochemical variation, residue mobility, and thermodynamic stability) performed at Invitae indicates that this missense variant is not expected to disrupt SCN9A protein function with a negative predictive value of 95%. In summary, the available evidence is currently insufficient to determine the role of this variant in disease. Therefore, it has been classified as a Variant of Uncertain Significance.